The following is an entry in ClinVar:

NM_005477.3(HCN4):c.3512G>A (p.Arg1171Lys)

Gene: HCN4 (hyperpolarization activated cyclic nucleotide gated potassium channel 4; minus strand). Cytogenetic location: 15q24.1.
Variant type: single nucleotide variant.
Coding change: c.3512G>A on transcript NM_005477.3 (MANE Select); coding-DNA position 3512, G replaced by A.
Protein change: p.Arg1171Lys; replaces arginine 1171 with lysine.
Molecular consequence: missense variant.
Genome position (GRCh38, 1-based): chr15:73,322,581, C>T on the plus strand (G>A on the coding strand, the complement: HCN4 is on the minus strand). VCF-style: chr15-73322581-C-T. GRCh37 (hg19) VCF-style: chr15-73614922-C-T.
Other names: c.3512G>A (NM_005477.2); short protein forms R1171K.
Identifiers: ClinVar variation 1936884 (VCV001936884.6), dbSNP rs751152874, ClinGen allele CA393085055.

ClinVar aggregate classification (germline): Uncertain significance. Review status: criteria provided, multiple submitters, no conflicts (2 of 4 stars). 2 submissions from 2 submitters: Uncertain significance (2). Last evaluated 2025-01-21.

Conditions:
Cardiovascular phenotype. Identifiers: MedGen CN230736.
Brugada syndrome 8 (BRGDA8). Identifiers: Orphanet 130, MedGen C2751083, MONDO:0013148, OMIM 613123.

gnomAD v4.1: 1 of 1,610,236 alleles (0.000062%); highest among the groups gnomAD compares: Non-Finnish European, 0.000085%; no homozygotes.

Submissions (2):

Ambry Genetics
Classification: Uncertain significance for Cardiovascular phenotype. Last evaluated: 2025-01-21. Review status: criteria provided, single submitter. Criteria: Ambry Variant Classification Scheme 2023. Collection method: clinical testing. Allele origin: germline.
Comment: The p.R1171K variant (also known as c.3512G>A), located in coding exon 8 of the HCN4 gene, results from a G to A substitution at nucleotide position 3512. The arginine at codon 1171 is replaced by lysine, an amino acid with highly similar properties. This amino acid position is conserved. In addition, this alteration is predicted to be tolerated by in silico analysis. Based on the available evidence, the clinical significance of this variant remains unclear.

Labcorp Genetics (formerly Invitae), Labcorp
Classification: Uncertain significance for Brugada syndrome 8. Last evaluated: 2024-11-24. Review status: criteria provided, single submitter. Criteria: Invitae Variant Classification Sherloc (09022015). Collection method: clinical testing. Allele origin: germline.
Comment: This sequence change replaces arginine, which is basic and polar, with lysine, which is basic and polar, at codon 1171 of the HCN4 protein (p.Arg1171Lys). This variant is not present in population databases (gnomAD no frequency). This variant has not been reported in the literature in individuals affected with HCN4-related conditions. ClinVar contains an entry for this variant (Variation ID: 1936884). Invitae Evidence Modeling of protein sequence and biophysical properties (such as structural, functional, and spatial information, amino acid conservation, physicochemical variation, residue mobility, and thermodynamic stability) indicates that this missense variant is not expected to disrupt HCN4 protein function with a negative predictive value of 95%. In summary, the available evidence is currently insufficient to determine the role of this variant in disease. Therefore, it has been classified as a Variant of Uncertain Significance.